The following is an entry in ClinVar:

ClinVar aggregate classification (germline): Uncertain significance (1 of 4 stars; one submission).

Submission:

Labcorp Genetics (formerly Invitae), Labcorp
Classification: Uncertain significance. Last evaluated: 2025-02-06. Review status: criteria provided, single submitter. Criteria: Invitae Variant Classification Sherloc (09022015). Collection method: clinical testing. Allele origin: germline.
Comment: This sequence change replaces methionine, which is neutral and non-polar, with isoleucine, which is neutral and non-polar, at codon 893 of the GRIN2D protein (p.Met893Ile). This variant is not present in population databases (gnomAD no frequency). This variant has not been reported in the literature in individuals affected with GRIN2D-related conditions. Invitae Evidence Modeling of protein sequence and biophysical properties (such as structural, functional, and spatial information, amino acid conservation, physicochemical variation, residue mobility, and thermodynamic stability) indicates that this missense variant is not expected to disrupt GRIN2D protein function with a negative predictive value of 95%. In summary, the available evidence is currently insufficient to determine the role of this variant in disease. Therefore, it has been classified as a Variant of Uncertain Significance.

NM_000836.4(GRIN2D):c.2679G>A (p.Met893Ile)

Gene: GRIN2D (glutamate ionotropic receptor NMDA type subunit 2D; plus strand). Cytogenetic location: 19q13.33.
Variant type: single nucleotide variant.
Coding change: c.2679G>A on transcript NM_000836.4 (MANE Select); coding-DNA position 2679, G replaced by A.
Protein change: p.Met893Ile; replaces methionine 893 with isoleucine.
Molecular consequence: missense variant.
Genome position (GRCh38, 1-based): chr19:48,442,605, G>A. VCF-style: chr19-48442605-G-A. GRCh37 (hg19) VCF-style: chr19-48945862-G-A.
Other names: short protein forms M893I.
Identifiers: ClinVar variation 3636278 (VCV003636278.2).